The following is an entry in ClinVar:

ClinVar aggregate classification (germline): Uncertain significance. Review status: criteria provided, multiple submitters, no conflicts (2 of 4 stars). 2 submissions from 2 submitters: Uncertain significance (2). Last evaluated 2024-03-19.

Conditions:
Familial acute necrotizing encephalopathy (IIAE3). Also called: Susceptibility to Acute Necrotizing Encephalopathy 1; ENCEPHALOPATHY, ACUTE, INFECTION-INDUCED, SUSCEPTIBILITY TO, 3. Identifiers: Orphanet 88619, MedGen C2675556, MONDO:0011953, OMIM 608033.

Allele frequency attached by ClinVar (database versions not stated): gnomAD 0.00001; TOPMed 0.00001.

Submissions (2):

Ambry Genetics
Classification: Uncertain significance. Last evaluated: 2024-03-19. Review status: criteria provided, single submitter. Criteria: Ambry Variant Classification Scheme 2023. Collection method: clinical testing. Allele origin: germline.

Labcorp Genetics (formerly Invitae), Labcorp
Classification: Uncertain significance for Familial acute necrotizing encephalopathy. Last evaluated: 2022-08-15. Review status: criteria provided, single submitter. Criteria: Invitae Variant Classification Sherloc (09022015). Collection method: clinical testing. Allele origin: germline.
Comment: In summary, the available evidence is currently insufficient to determine the role of this variant in disease. Therefore, it has been classified as a Variant of Uncertain Significance. Algorithms developed to predict the effect of missense changes on protein structure and function are either unavailable or do not agree on the potential impact of this missense change (SIFT: "Deleterious"; PolyPhen-2: "Benign"; Align-GVGD: "Class C55"). This variant has not been reported in the literature in individuals affected with RANBP2-related conditions. This variant is not present in population databases (gnomAD no frequency). This sequence change replaces serine, which is neutral and polar, with threonine, which is neutral and polar, at codon 635 of the RANBP2 protein (p.Ser635Thr).

NM_006267.5(RANBP2):c.1904G>C (p.Ser635Thr)

Gene: RANBP2 (RAN binding protein 2; plus strand). Cytogenetic location: 2q13.
Variant type: single nucleotide variant.
Coding change: c.1904G>C on transcript NM_006267.5 (MANE Select); coding-DNA position 1904, G replaced by C.
Protein change: p.Ser635Thr; replaces serine 635 with threonine.
Molecular consequence: missense variant.
Genome position (GRCh38, 1-based): chr2:108,753,146, G>C. VCF-style: chr2-108753146-G-C. GRCh37 (hg19) VCF-style: chr2-109369602-G-C.
Other names: c.1904G>C (NM_006267.4); c.1904G>C, p.Ser635Thr (NM_001415871.1, NM_001415873.1); c.1901G>C, p.Ser634Thr (NM_001415872.1); short protein forms S635T, S634T.
Identifiers: ClinVar variation 1988445 (VCV001988445.5), dbSNP rs1402462462, ClinGen allele CA348052237.
Genomic context (GRCh38, chr2:108,753,146, plus strand): 5'-TAATAAAAAAGAAGAACAGTATTCCTGAACCTATTGATCCTCTGTTTAAACATTTTCATA[G>C]TGTAGACATTCAGGTAACAGAGTTCCTTTATGAATTTATTGGAGATGGGAATTTCCAGTT-3'
Protein context (NP_006258.3, residues 625-645): PIDPLFKHFH[Ser635Thr]VDIQASEIVE